The following is an entry in ClinVar:

ClinVar aggregate classification (germline): Uncertain significance. Review status: criteria provided, multiple submitters, no conflicts (2 of 4 stars). 8 submissions from 8 submitters: Uncertain significance (7). 1 of the submissions does not count toward it. Last evaluated 2024-10-29.

Conditions:
Cardiovascular phenotype. Identifiers: MedGen CN230736.
Catecholaminergic polymorphic ventricular tachycardia (CVPT). Also called: Catecholamine-induced polymorphic ventricular tachycardia. Identifiers: Orphanet 3286, MedGen C5574922, MONDO:0017990.
Cardiomyopathy (CMYO). Also called: Cardiomyopathies. Identifiers: Orphanet 167848, MedGen C0878544, MONDO:0004994, HP:0001638. Inheritance: Various modes of inheritance.
Catecholaminergic polymorphic ventricular tachycardia 1. Also called: RYR2-Related Catecholaminergic Polymorphic Ventricular Tachycardia; VENTRICULAR TACHYCARDIA, CATECHOLAMINERGIC POLYMORPHIC, 1, WITH OR WITHOUT ATRIAL DYSFUNCTION AND/OR DILATED CARDIOMYOPATHY; VENTRICULAR TACHYCARDIA, STRESS-INDUCED POLYMORPHIC 1. Identifiers: Orphanet 3286, MedGen C1631597, MONDO:0011484, OMIM 604772.

Allele frequency attached by ClinVar (database versions not stated): ExAC 0.00001; gnomAD 0.00001; gnomAD exomes 0.00001; TOPMed 0.00003.
gnomAD v4.1: 31 of 1,613,798 alleles (0.0019%); highest among the groups gnomAD compares: Non-Finnish European, 0.0025%; no homozygotes.

Submissions (8):

Ambry Genetics
Classification: Uncertain significance for Cardiovascular phenotype. Last evaluated: 2024-10-29. Review status: criteria provided, single submitter. Criteria: Ambry Variant Classification Scheme 2023. Collection method: clinical testing. Allele origin: germline.
Comment: The p.R1013W variant (also known as c.3037C>T), located in coding exon 26 of the RYR2 gene, results from a C to T substitution at nucleotide position 3037. The arginine at codon 1013 is replaced by tryptophan, an amino acid with dissimilar properties. This alteration has been reported in a hypertrophic cardiomyopathy (HCM) cohort; however, clinical details were limited (Lopes LR et al. Heart, 2015 Feb;101:294-301). This variant was also reported in a Brugada syndrome cohort and in a whole exome sequencing cohort (Cavalli M et al. Front Neurol, 2018 May;9:385; Landstrom AP et al. Circ Arrhythm Electrophysiol, 2017 Apr;10:). This amino acid position is well conserved in available vertebrate species. In addition, this alteration is predicted to be deleterious by in silico analysis. Based on the available evidence, the clinical significance of this variant remains unclear.

Labcorp Genetics (formerly Invitae), Labcorp
Classification: Uncertain significance for Catecholaminergic polymorphic ventricular tachycardia 1. Last evaluated: 2024-09-16. Review status: criteria provided, single submitter. Criteria: Invitae Variant Classification Sherloc (09022015). Collection method: clinical testing. Allele origin: germline.
Comment: This sequence change replaces arginine, which is basic and polar, with tryptophan, which is neutral and slightly polar, at codon 1013 of the RYR2 protein (p.Arg1013Trp). This variant is present in population databases (rs777740439, gnomAD 0.003%). This missense change has been observed in individual(s) with Brugada syndrome (PMID: 26220970). ClinVar contains an entry for this variant (Variation ID: 201379). Invitae Evidence Modeling of protein sequence and biophysical properties (such as structural, functional, and spatial information, amino acid conservation, physicochemical variation, residue mobility, and thermodynamic stability) indicates that this missense variant is not expected to disrupt RYR2 protein function with a negative predictive value of 95%. In summary, the available evidence is currently insufficient to determine the role of this variant in disease. Therefore, it has been classified as a Variant of Uncertain Significance.

All of Us Research Program, National Institutes of Health
Classification: Uncertain significance for Catecholaminergic polymorphic ventricular tachycardia. Last evaluated: 2024-01-03. Review status: criteria provided, single submitter. Criteria: ACMG Guidelines, 2015. Collection method: clinical testing. Allele origin: germline. Inheritance: Autosomal dominant inheritance. Observed: 8 variant alleles, 8 heterozygotes.
Comment: This variant is located in the RYR2 protein. Computational prediction suggests that this variant may have deleterious impact on protein structure and function (internally defined REVEL score threshold >= 0.7, PMID: 27666373). To our knowledge, functional studies have not been reported for this variant. This variant has been reported in an individual affected with skeletal muscle sodium channelopathy and flecainide-induced Brugada syndrome (PMID: 29899727). The proband's father also carried this variant and was asymptomatic for syncope or palpitation and showed normal ECGs. This variant has been identified in 3/249156 chromosomes in the general population by the Genome Aggregation Database (gnomAD). The available evidence is insufficient to determine the role of this variant in disease conclusively. Therefore, this variant is classified as a Variant of Uncertain Significance.

This study involves interpretation of variants in research participants for the purpose of population health screening. Participant phenotype was not available at the time of variant classification. Additional details can be found in publication PMID: 35346344, PMCID: PMC8962531

Color Diagnostics, LLC DBA Color Health
Classification: Uncertain significance for Cardiomyopathy. Last evaluated: 2023-12-15. Review status: criteria provided, single submitter. Criteria: ACMG Guidelines, 2015. Collection method: clinical testing. Allele origin: germline.
Comment: This missense variant replaces arginine with tryptophan at codon 1013 of the RYR2 protein. Computational prediction tools indicate that this variant has a deleterious impact on protein structure and function. To our knowledge, functional studies have not been reported for this variant. This variant has been reported in an individual affected with flecanide-induced Brugada syndrome and skeletal muscle sodium channelopathy (PMID: 29899727). This variant has been identified in 3/249156 chromosomes in the general population by the Genome Aggregation Database (gnomAD). The available evidence is insufficient to determine the role of this variant in disease conclusively. Therefore, this variant is classified as a Variant of Uncertain Significance.

GeneDx
Classification: Uncertain significance. Last evaluated: 2022-12-29. Review status: criteria provided, single submitter. Criteria: GeneDx Variant Classification Process June 2021. Collection method: clinical testing. Allele origin: germline. Affected: yes.
Comment: Reported in association with HCM (Lopes et al., 2013); Not observed at significant frequency in large population cohorts (gnomAD); Not located in one of the three hot-spot regions of the RYR2 gene, where the majority of pathogenic missense variants occur (Medeiros-Domingo et al., 2009); In silico analysis supports that this missense variant has a deleterious effect on protein structure/function; This variant is associated with the following publications: (PMID: 19926015, 23396983, 26220970)

AiLife Diagnostics
Classification: Uncertain significance. Last evaluated: 2022-02-01. Review status: criteria provided, single submitter. Criteria: ACMG Guidelines, 2015. Collection method: clinical testing. Allele origin: germline. Affected: yes. Observed: 1 variant allele.

CHEO Genetics Diagnostic Laboratory, Children's Hospital of Eastern Ontario
Classification: Uncertain significance for Cardiomyopathy. Last evaluated: 2018-01-02. Review status: criteria provided, single submitter. Criteria: ACMG Guidelines, 2015. Collection method: clinical testing. Allele origin: germline.

Department of Pathology and Laboratory Medicine, Sinai Health System
Classification: Uncertain significance. Review status: no assertion criteria provided. Collection method: clinical testing. Allele origin: unknown. Affected: yes. Study: The Canadian Open Genetics Repository (COGR). Not counted in ClinVar's aggregate classification.
Comment: The RYR2 p.R1013W variant was identified in one individual with non-dystrophic myotonia who also carried a pathogenic SCN4A variant (p.G1306E) and a VUS in the DSG2 gene (p.G678A); the RYR2 p.R1013W variant was also present in the individualâ€šÃ„Ã´s asymptomatic father (Cavalli_2018_PMID:29899727). The variant was identified in dbSNP (ID: rs777740439) and ClinVar (classified as uncertain significance by GeneDx and Invitae). The variant was identified in control databases in 3 of 249156 chromosomes at a frequency of 0.00001204 (Genome Aggregation Database March 6, 2019, v2.1.1). The variant was observed in the European (non-Finnish) population in 3 of 112962 chromosomes (freq: 0.000027), but was not observed in the African, Latino, Ashkenazi Jewish, East Asian, European (Finnish), Other, or South Asian populations. The p.R1013 residue is conserved in mammals but not in more distantly related organisms, and four out of five computational analyses (PolyPhen-2, SIFT, AlignGVGD, BLOSUM, MutationTaster) suggest that the variant may impact the protein; however, this information is not predictive enough to assume pathogenicity. The variant occurs outside of the splicing consensus sequence and in silico or computational prediction software programs (SpliceSiteFinder, MaxEntScan, NNSPLICE, GeneSplicer) do not predict a difference in splicing. In summary, based on the above information the clinical significance of this variant cannot be determined with certainty at this time. This variant is classified as a variant of uncertain significance.

Literature cited by the submitters: PubMed 25351510 (cited by Ambry Genetics); PubMed 28404607 (cited by Ambry Genetics); PubMed 29899727 (cited by 3 submitters); PubMed 26220970 (cited by Labcorp Genetics (formerly Invitae), Labcorp and AiLife Diagnostics).

NM_001035.3(RYR2):c.3037C>T (p.Arg1013Trp)

Gene: RYR2 (ryanodine receptor 2; plus strand). Cytogenetic location: 1q43.
Variant type: single nucleotide variant.
Coding change: c.3037C>T on transcript NM_001035.3 (MANE Select); coding-DNA position 3037, C replaced by T.
Protein change: p.Arg1013Trp; replaces arginine 1013 with tryptophan.
Molecular consequence: missense variant.
Genome position (GRCh38, 1-based): chr1:237,548,561, C>T. VCF-style: chr1-237548561-C-T. GRCh37 (hg19) VCF-style: chr1-237711861-C-T.
Other names: p.R1013W:CGG>TGG; c.3037C>T, p.Arg1013Trp (LRG_402t1); short protein forms R1013W.
Identifiers: ClinVar variation 201379 (VCV000201379.20), dbSNP rs777740439, ClinGen allele CA009026.